The following is an entry in ClinVar:

ClinVar aggregate classification (germline): Benign. Review status: criteria provided, multiple submitters, no conflicts (2 of 4 stars). 11 submissions from 11 submitters: Benign (6). 5 of the submissions do not count toward it. Last evaluated 2026-02-02.

Conditions:
AFG3L2-related disorder. Also called: AFG3L2-related condition.
Spinocerebellar ataxia type 28 (SCA28). Also called: Spinocerebellar Ataxia Type 28 (SCA28). Identifiers: Orphanet 101109, MedGen C1853249, MONDO:0012450, OMIM 610246.

Allele frequency attached by ClinVar (database versions not stated): 1000 Genomes Project 30x 0.01359; 1000 Genomes Project 0.01418; TOPMed 0.02042; ESP Exome Variant Server 0.02245; gnomAD 0.02299 and 0.02347; gnomAD exomes 0.02446 and 0.02503; ExAC 0.02686.
gnomAD v4.1: 40,051 of 1,613,348 alleles (2.5%); highest among the groups gnomAD compares: Middle Eastern, 2.9%; 588 homozygotes.

Submissions (11):

Labcorp Genetics (formerly Invitae), Labcorp
Classification: Benign. Last evaluated: 2026-02-02. Review status: criteria provided, single submitter. Criteria: Invitae Variant Classification Sherloc (09022015). Collection method: clinical testing. Allele origin: germline.

Athena Diagnostics
Classification: Benign. Last evaluated: 2025-07-24. Review status: criteria provided, single submitter. Criteria: Athena Diagnostics Criteria. Collection method: clinical testing. Allele origin: unknown.
Comment: The frequency of this variant in the general population is higher than would generally be expected for pathogenic variants in this gene.

Blueprint Genetics
Classification: Benign. Last evaluated: 2024-11-28. Review status: criteria provided, single submitter. Criteria: ACMG Guidelines, 2015. Collection method: clinical testing. Allele origin: germline.

Illumina Laboratory Services, Illumina
Classification: Benign for Spinocerebellar ataxia type 28. Last evaluated: 2018-01-12. Review status: criteria provided, single submitter. Criteria: ICSL Variant Classification Criteria 13 December 2019. Collection method: clinical testing. Allele origin: germline.
Comment: This variant was observed in the ICSL laboratory as part of a predisposition screen in an ostensibly healthy population. It had not been previously curated by ICSL or reported in the Human Gene Mutation Database (HGMD: prior to June 1st, 2018), and was therefore a candidate for classification through an automated scoring system. Utilizing variant allele frequency, disease prevalence and penetrance estimates, and inheritance mode, an automated score was calculated to assess if this variant is too frequent to cause the disease. Based on the score and internal cut-off values, a variant classified as benign is not then subjected to further curation. The score for this variant resulted in a classification of benign for this disease.

GeneDx
Classification: Benign. Last evaluated: 2013-11-19. Review status: criteria provided, single submitter. Criteria: GeneDx Variant Classification (06012015). Collection method: clinical testing. Allele origin: germline. Affected: yes.
Comment: This variant is considered likely benign or benign based on one or more of the following criteria: it is a conservative change, it occurs at a poorly conserved position in the protein, it is predicted to be benign by multiple in silico algorithms, and/or has population frequency not consistent with disease.

Breakthrough Genomics
Classification: Benign. Review status: criteria provided, single submitter. Criteria: ACMG Guidelines, 2015. Collection method: not provided. Allele origin: germline. Inheritance: Autosomal recessive inheritance. Affected: yes.

PreventionGenetics, part of Exact Sciences
Classification: Benign for AFG3L2-related condition. Last evaluated: 2019-09-13. Review status: no assertion criteria provided. Collection method: clinical testing. Allele origin: germline. Not counted in ClinVar's aggregate classification.
Comment: This variant is classified as benign based on ACMG/AMP sequence variant interpretation guidelines (Richards et al. 2015 PMID: 25741868, with internal and published modifications).

Mayo Clinic Laboratories, Mayo Clinic
Classification: Benign. Last evaluated: 2016-02-26. Review status: no assertion criteria provided. Collection method: clinical testing. Allele origin: unknown. Not counted in ClinVar's aggregate classification.

Clinical Genetics DNA and cytogenetics Diagnostics Lab, Erasmus MC, Erasmus Medical Center
Classification: Benign. Review status: no assertion criteria provided. Collection method: clinical testing. Allele origin: germline. Affected: yes. Study: VKGL Data-share Consensus. Not counted in ClinVar's aggregate classification.

Genome Diagnostics Laboratory, University Medical Center Utrecht
Classification: Benign. Review status: no assertion criteria provided. Collection method: clinical testing. Allele origin: germline. Affected: yes. Study: VKGL Data-share Consensus. Not counted in ClinVar's aggregate classification.

Joint Genome Diagnostic Labs from Nijmegen and Maastricht, Radboudumc and MUMC+
Classification: Benign. Review status: no assertion criteria provided. Collection method: clinical testing. Allele origin: germline. Affected: yes. Study: VKGL Data-share Consensus. Not counted in ClinVar's aggregate classification.

NM_006796.3(AFG3L2):c.1026+8G>A

Gene: AFG3L2 (AFG3 like matrix AAA peptidase subunit 2; minus strand). Cytogenetic location: 18p11.21.
Variant type: single nucleotide variant.
Coding change: c.1026+8G>A on transcript NM_006796.3 (MANE Select); 8 bases into the intron after coding-DNA position 1026, G replaced by A.
Molecular consequence: intron variant.
Genome position (GRCh38, 1-based): chr18:12,358,662, C>T on the plus strand (G>A on the coding strand, the complement: AFG3L2 is on the minus strand). VCF-style: chr18-12358662-C-T. GRCh37 (hg19) VCF-style: chr18-12358661-C-T.
Identifiers: ClinVar variation 136313 (VCV000136313.25), dbSNP rs8091858, ClinGen allele CA289322.